The following is an entry in ClinVar:

ClinVar aggregate classification (germline): Uncertain significance (1 of 4 stars; one submission).

Conditions:
Hypoplastic enamel-onycholysis-hypohidrosis syndrome (TNS). Also called: Tooth-and-Nail Syndrome; ECTODERMAL DYSPLASIA 3, TOOTH/NAIL TYPE; ECTODERMAL DYSPLASIA 3, WITKOP TYPE; WITKOP SYNDROME; NAIL DYSPLASIA WITH HYPODONTIA. Identifiers: Orphanet 2228, MedGen C0406735, MONDO:0008582, OMIM 189500.

gnomAD v4.1: 365 of 1,594,494 alleles (0.023%); highest among the groups gnomAD compares: Non-Finnish European, 0.03%; no homozygotes.

Submission:

Labcorp Genetics (formerly Invitae), Labcorp
Classification: Uncertain significance for Hypoplastic enamel-onycholysis-hypohidrosis syndrome. Last evaluated: 2025-10-01. Review status: criteria provided, single submitter. Criteria: Invitae Variant Classification Sherloc (09022015). Collection method: clinical testing. Allele origin: germline.
Comment: This sequence change replaces valine, which is neutral and non-polar, with glycine, which is neutral and non-polar, at codon 120 of the MSX1 protein (p.Val120Gly). This variant is present in population databases (rs759548721, gnomAD 0.04%), and has an allele count higher than expected for a pathogenic variant. This missense change has been observed in individual(s) with orofacial clefting (PMID: 12807959). This variant is also known as V114G. Invitae Evidence Modeling of protein sequence and biophysical properties (such as structural, functional, and spatial information, amino acid conservation, physicochemical variation, residue mobility, and thermodynamic stability) indicates that this missense variant is not expected to disrupt MSX1 protein function with a negative predictive value of 80%. In summary, the available evidence is currently insufficient to determine the role of this variant in disease. Therefore, it has been classified as a Variant of Uncertain Significance.

Literature cited by the submitters: PubMed 12807959.

NM_002448.3(MSX1):c.359T>G (p.Val120Gly)

Gene: MSX1 (msh homeobox 1; plus strand). Cytogenetic location: 4p16.2.
Variant type: single nucleotide variant.
Coding change: c.359T>G on transcript NM_002448.3 (MANE Select); coding-DNA position 359, T replaced by G.
Protein change: p.Val120Gly; replaces valine 120 with glycine.
Molecular consequence: missense variant.
Genome position (GRCh38, 1-based): chr4:4,860,258, T>G. VCF-style: chr4-4860258-T-G. GRCh37 (hg19) VCF-style: chr4-4861985-T-G.
Other names: short protein forms V120G.
Identifiers: ClinVar variation 4774082 (VCV004774082.1).
Genomic context (GRCh38, chr4:4,860,258, plus strand): 5'-CGGGGTCGCTGGGAGCCCCGGACGCGCCCTCTTCGCCGCGGCCGCTCGGCCATTTCTCGG[T>G]GGGGGGACTCCTCAAGCTGCCAGAAGATGCGCTCGTCAAAGCCGAGAGCCCCGAGAAGCC-3'
Protein context (NP_002439.2, residues 110-130): SSPRPLGHFS[Val120Gly]GGLLKLPEDA